The following is an entry in ClinVar:

NM_000057.4(BLM):c.2456A>C (p.Gln819Pro)

Gene: BLM (BLM RecQ like helicase; plus strand). Cytogenetic location: 15q26.1.
Variant type: single nucleotide variant.
Coding change: c.2456A>C on transcript NM_000057.4 (MANE Select); coding-DNA position 2456, A replaced by C.
Protein change: p.Gln819Pro; replaces glutamine 819 with proline.
Molecular consequence: missense variant.
Genome position (GRCh38, 1-based): chr15:90,769,487, A>C. VCF-style: chr15-90769487-A-C. GRCh37 (hg19) VCF-style: chr15-91312717-A-C.
Other names: c.2456A>C, p.Gln819Pro (NM_001287246.2, NM_001287247.2); c.1331A>C, p.Gln444Pro (NM_001287248.2); short protein forms Q444P, Q819P.
Identifiers: ClinVar variation 1718885 (VCV001718885.3), dbSNP rs1265964518, ClinGen allele CA393845362.

ClinVar aggregate classification (germline): Uncertain significance (1 of 4 stars; one submission).

Conditions:
Bloom syndrome (BLM). Also called: Bloom-Torre-Machacek syndrome. Identifiers: Orphanet 125, MedGen C0005859, MONDO:0008876, OMIM 210900.

Submission:

Labcorp Genetics (formerly Invitae), Labcorp
Classification: Uncertain significance for Bloom syndrome. Last evaluated: 2022-09-05. Review status: criteria provided, single submitter. Criteria: Invitae Variant Classification Sherloc (09022015). Collection method: clinical testing. Allele origin: germline.
Comment: This sequence change replaces glutamine, which is neutral and polar, with proline, which is neutral and non-polar, at codon 819 of the BLM protein (p.Gln819Pro). This variant is not present in population databases (gnomAD no frequency). This variant has not been reported in the literature in individuals affected with BLM-related conditions. Algorithms developed to predict the effect of missense changes on protein structure and function are either unavailable or do not agree on the potential impact of this missense change (SIFT: "Deleterious"; PolyPhen-2: "Possibly Damaging"; Align-GVGD: "Class C0"). In summary, the available evidence is currently insufficient to determine the role of this variant in disease. Therefore, it has been classified as a Variant of Uncertain Significance.